The following is an entry in ClinVar:

ClinVar aggregate classification (germline): Uncertain significance. Review status: criteria provided, multiple submitters, no conflicts (2 of 4 stars). 5 submissions from 5 submitters: Uncertain significance (5). Last evaluated 2025-12-01.

Conditions:
Cardiomyopathy (CMYO). Also called: Cardiomyopathies. Identifiers: Orphanet 167848, MedGen C0878544, MONDO:0004994, HP:0001638. Inheritance: Various modes of inheritance.
Hypertrophic cardiomyopathy. Also called: HYPERTROPHIC MYOCARDIOPATHY. Identifiers: Orphanet 217569, MedGen C0007194, MeSH D002312, MONDO:0005045, HP:0001639.
Cardiovascular phenotype. Identifiers: MedGen CN230736.
Hypertrophic cardiomyopathy 8. Also called: CARDIOMYOPATHY, HYPERTROPHIC, MID-LEFT VENTRICULAR CHAMBER TYPE, 1; MYL3-Related Familial Hypertrophic Cardiomyopathy. Identifiers: MedGen C1837471, MONDO:0012111, OMIM 608751.

Allele frequency attached by ClinVar (database versions not stated): ExAC 0.00001; gnomAD 0.00001; TOPMed 0.00001.
gnomAD v4.1: 17 of 1,613,982 alleles (0.0011%); highest among the groups gnomAD compares: Admixed American, 0.005%; no homozygotes.

Submissions (5):

Labcorp Genetics (formerly Invitae), Labcorp
Classification: Uncertain significance for Hypertrophic cardiomyopathy. Last evaluated: 2025-12-01. Review status: criteria provided, single submitter. Criteria: Invitae Variant Classification Sherloc (09022015). Collection method: clinical testing. Allele origin: germline.
Comment: This sequence change replaces arginine, which is basic and polar, with tryptophan, which is neutral and slightly polar, at codon 81 of the MYL3 protein (p.Arg81Trp). This variant is present in population databases (rs761891361, gnomAD 0.009%). This variant has not been reported in the literature in individuals affected with MYL3-related conditions. ClinVar contains an entry for this variant (Variation ID: 952795). An algorithm developed to predict the effect of missense changes on protein structure and function (PolyPhen-2) suggests that this variant is likely to be disruptive. In summary, the available evidence is currently insufficient to determine the role of this variant in disease. Therefore, it has been classified as a Variant of Uncertain Significance.

All of Us Research Program, National Institutes of Health
Classification: Uncertain significance for Hypertrophic cardiomyopathy. Last evaluated: 2023-12-13. Review status: criteria provided, single submitter. Criteria: ACMG Guidelines, 2015. Collection method: clinical testing. Allele origin: germline. Inheritance: Autosomal dominant inheritance. Observed: 3 variant alleles, 3 heterozygotes.
Comment: This missense variant replaces arginine with tryptophan at codon 81 of the MYL3 protein. Computational prediction suggests that this variant may have a deleterious impact on protein structure and function (internally defined REVEL score threshold >= 0.7, PMID: 27666373). To our knowledge, functional studies have not been reported for this variant. This variant has not been reported in individuals affected with MYL3-related disorders in the literature. This variant has been identified in 7/251442 chromosomes in the general population by the Genome Aggregation Database (gnomAD). The available evidence is insufficient to determine the role of this variant in disease conclusively. Therefore, this variant is classified as a Variant of Uncertain Significance.

This study involves interpretation of variants in research participants for the purpose of population health screening. Participant phenotype was not available at the time of variant classification. Additional details can be found in publication PMID: 35346344, PMCID: PMC8962531

Color Diagnostics, LLC DBA Color Health
Classification: Uncertain significance for Cardiomyopathy. Last evaluated: 2023-10-26. Review status: criteria provided, single submitter. Criteria: ACMG Guidelines, 2015. Collection method: clinical testing. Allele origin: germline.
Comment: This missense variant replaces arginine with tryptophan at codon 81 of the MYL3 protein. Computational prediction suggests that this variant may have a deleterious impact on protein structure and function (internally defined REVEL score threshold >= 0.7, PMID: 27666373). To our knowledge, functional studies have not been reported for this variant. This variant has not been reported in individuals affected with MYL3-related disorders in the literature. This variant has been identified in 7/251442 chromosomes in the general population by the Genome Aggregation Database (gnomAD). The available evidence is insufficient to determine the role of this variant in disease conclusively. Therefore, this variant is classified as a Variant of Uncertain Significance.

Ambry Genetics
Classification: Uncertain significance for Cardiovascular phenotype. Last evaluated: 2023-08-02. Review status: criteria provided, single submitter. Criteria: Ambry Variant Classification Scheme 2023. Collection method: clinical testing. Allele origin: germline.
Comment: The p.R81W variant (also known as c.241C>T), located in coding exon 3 of the MYL3 gene, results from a C to T substitution at nucleotide position 241. The arginine at codon 81 is replaced by tryptophan, an amino acid with dissimilar properties. This amino acid position is highly conserved in available vertebrate species. In addition, this alteration is predicted to be deleterious by in silico analysis. Since supporting evidence is limited at this time, the clinical significance of this alteration remains unclear.

Fulgent Genetics
Classification: Uncertain significance for Hypertrophic cardiomyopathy 8. Last evaluated: 2021-10-05. Review status: criteria provided, single submitter. Criteria: ACMG Guidelines, 2015. Collection method: clinical testing. Allele origin: unknown.

NM_000258.3(MYL3):c.241C>T (p.Arg81Trp)

Gene: MYL3 (myosin light chain 3; minus strand). Cytogenetic location: 3p21.31.
Variant type: single nucleotide variant.
Coding change: c.241C>T on transcript NM_000258.3 (MANE Select); coding-DNA position 241, C replaced by T.
Protein change: p.Arg81Trp; replaces arginine 81 with tryptophan.
Molecular consequence: missense variant.
Genome position (GRCh38, 1-based): chr3:46,860,742, G>A on the plus strand (C>T on the coding strand, the complement: MYL3 is on the minus strand). VCF-style: chr3-46860742-G-A. GRCh37 (hg19) VCF-style: chr3-46902232-G-A.
Other names: short protein forms R81W.
Identifiers: ClinVar variation 952795 (VCV000952795.11), dbSNP rs761891361, ClinGen allele CA043198.